The following is an entry in ClinVar:

NM_001042492.3(NF1):c.480-5T>G

Gene: NF1 (neurofibromin 1; plus strand). Cytogenetic location: 17q11.2.
Variant type: single nucleotide variant.
Coding change: c.480-5T>G on transcript NM_001042492.3 (MANE Select); 5 bases into the intron before coding-DNA position 480, T replaced by G.
Molecular consequence: intron variant.
Genome position (GRCh38, 1-based): chr17:31,169,886, T>G. VCF-style: chr17-31169886-T-G. GRCh37 (hg19) VCF-style: chr17-29496904-T-G.
Other names: c.480-5T>G (NM_000267.4, NM_001128147.3).
Identifiers: ClinVar variation 2112610 (VCV002112610.4), dbSNP rs1555607069, ClinGen allele CA2580092949.

ClinVar aggregate classification (germline): Uncertain significance (1 of 4 stars; one submission).

Conditions:
Neurofibromatosis, type 1 (NF1). Also called: NEUROFIBROMATOSIS, TYPE I, SOMATIC; Neurofibromatosis, type I; Peripheral type neurofibromatosis; VON RECKLINGHAUSEN DISEASE. Identifiers: Orphanet 636, MedGen C0027831, MONDO:0018975, OMIM 162200. Disease mechanism: loss of function.

Submission:

Labcorp Genetics (formerly Invitae), Labcorp
Classification: Uncertain significance for Neurofibromatosis, type 1. Last evaluated: 2022-03-15. Review status: criteria provided, single submitter. Criteria: Invitae Variant Classification Sherloc (09022015). Collection method: clinical testing. Allele origin: germline.
Comment: In summary, the available evidence is currently insufficient to determine the role of this variant in disease. Therefore, it has been classified as a Variant of Uncertain Significance. Algorithms developed to predict the effect of sequence changes on RNA splicing suggest that this variant may disrupt the consensus splice site. This variant has not been reported in the literature in individuals affected with NF1-related conditions. This variant is not present in population databases (gnomAD no frequency). This sequence change falls in intron 4 of the NF1 gene. It does not directly change the encoded amino acid sequence of the NF1 protein.